The following is an entry in ClinVar:

ClinVar aggregate classification (germline): Uncertain significance (1 of 4 stars; one submission).

Conditions:
Landau-Kleffner syndrome (FESD). Also called: APHASIA, ACQUIRED, WITH EPILEPSY; EPILEPSY, FOCAL, WITH SPEECH DISORDER AND WITH OR WITHOUT MENTAL RETARDATION. Identifiers: Orphanet 1945, Orphanet 725, Orphanet 98818, MedGen C0282512, MONDO:0009509, OMIM 245570.

Submission:

Labcorp Genetics (formerly Invitae), Labcorp
Classification: Uncertain significance for Landau-Kleffner syndrome. Last evaluated: 2023-08-10. Review status: criteria provided, single submitter. Criteria: Invitae Variant Classification Sherloc (09022015). Collection method: clinical testing. Allele origin: germline.
Comment: In summary, the available evidence is currently insufficient to determine the role of this variant in disease. Therefore, it has been classified as a Variant of Uncertain Significance. Advanced modeling of protein sequence and biophysical properties (such as structural, functional, and spatial information, amino acid conservation, physicochemical variation, residue mobility, and thermodynamic stability) performed at Invitae indicates that this missense variant is not expected to disrupt GRIN2A protein function. This variant has not been reported in the literature in individuals affected with GRIN2A-related conditions. This variant is not present in population databases (gnomAD no frequency). This sequence change replaces phenylalanine, which is neutral and non-polar, with leucine, which is neutral and non-polar, at codon 980 of the GRIN2A protein (p.Phe980Leu).

NM_001134407.3(GRIN2A):c.2940C>A (p.Phe980Leu)

Gene: GRIN2A (glutamate ionotropic receptor NMDA type subunit 2A; minus strand). Cytogenetic location: 16p13.2.
Variant type: single nucleotide variant.
Coding change: c.2940C>A on transcript NM_001134407.3 (MANE Select); coding-DNA position 2940, C replaced by A.
Protein change: p.Phe980Leu; replaces phenylalanine 980 with leucine.
Molecular consequence: missense variant.
Genome position (GRCh38, 1-based): chr16:9,764,604, G>T on the plus strand (C>A on the coding strand, the complement: GRIN2A is on the minus strand). VCF-style: chr16-9764604-G-T. GRCh37 (hg19) VCF-style: chr16-9858461-G-T.
Other names: c.2940C>A, p.Phe980Leu (NM_000833.5, NM_001134408.2); short protein forms F980L.
Identifiers: ClinVar variation 2751560 (VCV002751560.3), dbSNP rs1900793582, ClinGen allele CA394709016.